The following is an entry in ClinVar:

NM_016341.4(PLCE1):c.4211A>G (p.Glu1404Gly)

Gene: PLCE1 (phospholipase C epsilon 1; plus strand). Cytogenetic location: 10q23.33.
Variant type: single nucleotide variant.
Coding change: c.4211A>G on transcript NM_016341.4 (MANE Select); coding-DNA position 4211, A replaced by G.
Protein change: p.Glu1404Gly; replaces glutamic acid 1404 with glycine.
Molecular consequence: missense variant.
Genome position (GRCh38, 1-based): chr10:94,265,888, A>G. VCF-style: chr10-94265888-A-G. GRCh37 (hg19) VCF-style: chr10-96025645-A-G.
Other names: c.3287A>G, p.Glu1096Gly (NM_001165979.2); c.4163A>G, p.Glu1388Gly (NM_001288989.2); short protein forms E1096G, E1388G, E1404G.
Identifiers: ClinVar variation 3377833 (VCV003377833.1).
Genomic context (GRCh38, chr10:94,265,888, plus strand): 5'-ATGATGAGTCACAGGAGAACATTAAAGAACTGCAGCTACCCCTCTCATACTATTACATCG[A>G]ATCTTCGCACAATACCTACCTCACGGGCCATCAGCTCAAAGGAGAATCCTCGGTAGAACT-3'
Protein context (NP_057425.3, residues 1394-1414): LQLPLSYYYI[Glu1404Gly]SSHNTYLTGH

ClinVar aggregate classification (germline): Uncertain significance (1 of 4 stars; one submission).

gnomAD v4.1: 5 of 1,613,990 alleles (0.00031%); highest among the groups gnomAD compares: Middle Eastern, 0.016%; no homozygotes.

Submission:

GeneDx
Classification: Uncertain significance. Last evaluated: 2024-05-16. Review status: criteria provided, single submitter. Criteria: GeneDx Variant Classification Process June 2021. Collection method: clinical testing. Allele origin: germline. Affected: yes.
Comment: Not observed at significant frequency in large population cohorts (gnomAD); In silico analysis indicates that this missense variant does not alter protein structure/function; Has not been previously published as pathogenic or benign to our knowledge